The following is an entry in ClinVar:

NM_000465.4(BARD1):c.211T>A (p.Cys71Ser)

Gene: BARD1 (BRCA1 associated RING domain 1; minus strand). Cytogenetic location: 2q35.
Variant type: single nucleotide variant.
Coding change: c.211T>A on transcript NM_000465.4 (MANE Select); coding-DNA position 211, T replaced by A.
Protein change: p.Cys71Ser; replaces cysteine 71 with serine.
Molecular consequence: missense variant. On other transcripts: non-coding transcript variant (2), intron variant (2).
Genome position (GRCh38, 1-based): chr2:214,797,065, A>T on the plus strand (T>A on the coding strand, the complement: BARD1 is on the minus strand). VCF-style: chr2-214797065-A-T. GRCh37 (hg19) VCF-style: chr2-215661789-A-T.
Other names: c.211T>A, p.Cys71Ser (NM_001282545.2, NM_001282549.2); c.158+12347T>A (NM_001282548.2); c.159-4620T>A (NM_001282543.2); short protein forms C71S.
Identifiers: ClinVar variation 489667 (VCV000489667.22), dbSNP rs1060501308, ClinGen allele CA350462140.

ClinVar aggregate classification (germline): Conflicting classifications of pathogenicity. Review status: criteria provided, conflicting classifications (1 of 4 stars). 5 submissions from 5 submitters: Likely pathogenic (1); Uncertain significance (4). Last evaluated 2025-10-06.

Conditions:
Hereditary cancer-predisposing syndrome. Also called: Hereditary Cancer Syndrome; Neoplastic Syndromes, Hereditary; Tumor predisposition; Hereditary neoplastic syndrome. Identifiers: Orphanet 140162, MedGen C0027672, MeSH D009386, MONDO:0015356.
Familial cancer of breast. Also called: Hereditary breast cancer; BREAST CANCER, FAMILIAL; hereditary breast carcinoma. Identifiers: Orphanet 227535, MedGen C0346153, MONDO:0016419, OMIM 114480. Disease mechanism: loss of function.

Submissions (5):

Color Diagnostics, LLC DBA Color Health
Classification: Likely pathogenic for Hereditary cancer-predisposing syndrome. Last evaluated: 2025-10-06. Review status: criteria provided, single submitter. Criteria: ACMG Guidelines, 2015. Collection method: clinical testing. Allele origin: germline.
Comment: This missense variant replaces cysteine with serine at codon 71 in the RING domain of the BARD1 protein. This variant alters one of the zinc-binding residues of the RING domain that is thought to be important for BARD1 protein function (PMID: 29367421). Computational prediction suggests that this variant may have deleterious impact on protein structure and function. To our knowledge, functional studies have not been reported for this variant. A different nucleotide substitution variant with the same protein consequence (c.212G>C, p.Cys71Ser) has been reported in an individual affected with familial breast cancer (PMID: 31036035). This variant has not been identified in the general population by the Genome Aggregation Database (gnomAD). A different missense variant affecting the same codon position, p.Cys71Tyr, is known to disrupt BARD1 protein function (PMID: 26350354, 29367421) and is reported as disease-causing (ClinVar variation ID: 978478). Based on the available evidence, this variant is classified as Likely Pathogenic.

Labcorp Genetics (formerly Invitae), Labcorp
Classification: Uncertain significance for Familial cancer of breast. Last evaluated: 2025-07-15. Review status: criteria provided, single submitter. Criteria: Invitae Variant Classification Sherloc (09022015). Collection method: clinical testing. Allele origin: germline.
Comment: This sequence change replaces cysteine, which is neutral and slightly polar, with serine, which is neutral and polar, at codon 71 of the BARD1 protein (p.Cys71Ser). This variant is not present in population databases (gnomAD no frequency). This missense change has been observed in individual(s) with personal and/or family history of breast, ovarian, or pancreatic cancer (PMID: 32957588). ClinVar contains an entry for this variant (Variation ID: 489667). An algorithm developed to predict the effect of missense changes on protein structure and function (PolyPhen-2) suggests that this variant is likely to be disruptive. This variant disrupts the p.Cys71 amino acid residue in BARD1. Other variant(s) that disrupt this residue have been determined to be pathogenic (PMID: 26350354, 29367421). This suggests that this residue is clinically significant, and that variants that disrupt this residue are likely to be disease-causing. In summary, the available evidence is currently insufficient to determine the role of this variant in disease. Therefore, it has been classified as a Variant of Uncertain Significance.

Baylor Genetics
Classification: Uncertain significance for Familial cancer of breast. Last evaluated: 2023-05-08. Review status: criteria provided, single submitter. Criteria: ACMG Guidelines, 2015. Collection method: clinical testing. Allele origin: unknown.

Ambry Genetics
Classification: Uncertain significance for Hereditary cancer-predisposing syndrome. Last evaluated: 2023-02-28. Review status: criteria provided, single submitter. Criteria: Ambry Variant Classification Scheme 2023. Collection method: clinical testing. Allele origin: germline.
Comment: The p.C71S variant (also known as c.211T>A), located in coding exon 2 of the BARD1 gene, results from a T to A substitution at nucleotide position 211. The cysteine at codon 71 is replaced by serine, an amino acid with dissimilar properties. This variant was detected in a cohort of 113 Italian non-BRCA patients with a personal and/or familial history of breast cancer, ovarian cancer, and/or pancreatic cancer (Germani A et al. J Clin Med, 2020 Sep;9). This amino acid position is highly conserved in available vertebrate species. In addition, this alteration is predicted to be deleterious by in silico analysis. Since supporting evidence is limited at this time, the clinical significance of this alteration remains unclear.

Quest Diagnostics Nichols Institute San Juan Capistrano
Classification: Uncertain significance. Last evaluated: 2020-07-29. Review status: criteria provided, single submitter. Criteria: Quest Diagnostics criteria. Collection method: clinical testing. Allele origin: unknown.

Literature cited by the submitters: PubMed 26350354 (cited by Color Diagnostics, LLC DBA Color Health and Labcorp Genetics (formerly Invitae), Labcorp); PubMed 29367421 (cited by Color Diagnostics, LLC DBA Color Health and Labcorp Genetics (formerly Invitae), Labcorp); PubMed 31036035 (cited by Color Diagnostics, LLC DBA Color Health); PubMed 32957588 (cited by 3 submitters).